The following is an entry in ClinVar:

NM_144573.4(NEXN):c.1517C>T (p.Pro506Leu)

Gene: NEXN (nexilin F-actin binding protein; plus strand). Cytogenetic location: 1p31.1.
Variant type: single nucleotide variant.
Coding change: c.1517C>T on transcript NM_144573.4 (MANE Select); coding-DNA position 1517, C replaced by T.
Protein change: p.Pro506Leu; replaces proline 506 with leucine.
Molecular consequence: missense variant.
Genome position (GRCh38, 1-based): chr1:77,942,066, C>T. VCF-style: chr1-77942066-C-T. GRCh37 (hg19) VCF-style: chr1-78407751-C-T.
Other names: c.1325C>T, p.Pro442Leu (NM_001172309.2); short protein forms P442L, P506L.
Identifiers: ClinVar variation 4782689 (VCV004782689.1).
Genomic context (GRCh38, chr1:77,942,066, plus strand): 5'-GGCCCACTTTCTTGCAGGAAGATGATGTTGATGTTAGGCCTGCAAGAAAAAGCGAGGCTC[C>T]ATTTACTCACAAAGTGAATATGAAAGCTAGATTTGAACAAATGGCTAAGGCAAGAGAAGA-3'
Protein context (NP_653174.3, residues 496-516): DVRPARKSEA[Pro506Leu]FTHKVNMKAR

ClinVar aggregate classification (germline): Uncertain significance (1 of 4 stars; one submission).

Conditions:
Dilated cardiomyopathy 1CC (CMD1CC). Identifiers: Orphanet 154, MedGen C2751084, MONDO:0013147, OMIM 613122.
Hypertrophic cardiomyopathy 20. Identifiers: MedGen C3151267, MONDO:0013477, OMIM 613876.

Submission:

Labcorp Genetics (formerly Invitae), Labcorp
Classification: Uncertain significance for Dilated cardiomyopathy 1CC; Hypertrophic cardiomyopathy 20. Last evaluated: 2025-12-22. Review status: criteria provided, single submitter. Criteria: Invitae Variant Classification Sherloc (09022015). Collection method: clinical testing. Allele origin: germline.
Comment: This sequence change replaces proline, which is neutral and non-polar, with leucine, which is neutral and non-polar, at codon 506 of the NEXN protein (p.Pro506Leu). This variant is not present in population databases (gnomAD no frequency). This variant has not been reported in the literature in individuals affected with NEXN-related conditions. Invitae Evidence Modeling of protein sequence and biophysical properties (such as structural, functional, and spatial information, amino acid conservation, physicochemical variation, residue mobility, and thermodynamic stability) has been performed for this missense variant. However, the output from this modeling did not meet the statistical confidence thresholds required to predict the impact of this variant on NEXN protein function. In summary, the available evidence is currently insufficient to determine the role of this variant in disease. Therefore, it has been classified as a Variant of Uncertain Significance.